The following is an entry in ClinVar:

ClinVar aggregate classification (germline): Uncertain significance (1 of 4 stars; one submission).

Conditions:
FGFR2-related craniosynostosis. Identifiers: MedGen CN231480.

Allele frequency attached by ClinVar (database versions not stated): TOPMed below 0.00001; ExAC 0.00001.
gnomAD v4.1: 4 of 1,610,488 alleles (0.00025%); highest among the groups gnomAD compares: East Asian, 0.0022%; no homozygotes.

Submission:

Labcorp Genetics (formerly Invitae), Labcorp
Classification: Uncertain significance for FGFR2-related craniosynostosis. Last evaluated: 2025-01-20. Review status: criteria provided, single submitter. Criteria: Invitae Variant Classification Sherloc (09022015). Collection method: clinical testing. Allele origin: germline.
Comment: This sequence change replaces methionine, which is neutral and non-polar, with valine, which is neutral and non-polar, at codon 584 of the FGFR2 protein (p.Met584Val). This variant is present in population databases (rs759496676, gnomAD 0.003%). This variant has not been reported in the literature in individuals affected with FGFR2-related conditions. ClinVar contains an entry for this variant (Variation ID: 2985463). Invitae Evidence Modeling of protein sequence and biophysical properties (such as structural, functional, and spatial information, amino acid conservation, physicochemical variation, residue mobility, and thermodynamic stability) indicates that this missense variant is not expected to disrupt FGFR2 protein function with a negative predictive value of 80%. In summary, the available evidence is currently insufficient to determine the role of this variant in disease. Therefore, it has been classified as a Variant of Uncertain Significance.

NM_000141.5(FGFR2):c.1750A>G (p.Met584Val)

Gene: FGFR2 (fibroblast growth factor receptor 2; minus strand). Cytogenetic location: 10q26.13.
Variant type: single nucleotide variant.
Coding change: c.1750A>G on transcript NM_000141.5 (MANE Select); coding-DNA position 1750, A replaced by G.
Protein change: p.Met584Val; replaces methionine 584 with valine.
Molecular consequence: missense variant. On other transcripts: non-coding transcript variant (1).
Genome position (GRCh38, 1-based): chr10:121,496,645, T>C on the plus strand (A>G on the coding strand, the complement: FGFR2 is on the minus strand). VCF-style: chr10-121496645-T-C. GRCh37 (hg19) VCF-style: chr10-123256159-T-C.
Other names: c.1753A>G, p.Met585Val (NM_001144913.1, NM_022970.4); c.1414A>G, p.Met472Val (NM_001144914.1); c.1483A>G, p.Met495Val (NM_001144915.2, NM_023029.3); c.1405A>G, p.Met469Val (NM_001144916.2); c.1402A>G, p.Met468Val (NM_001144917.2); c.1399A>G, p.Met467Val (NM_001144918.2); c.1486A>G, p.Met496Val (NM_001144919.2); c.1066A>G, p.Met356Val (NM_001320654.2); and 1 more; short protein forms M467V, M472V, M496V, M468V, M495V, M584V, M585V, M356V.
Identifiers: ClinVar variation 2985463 (VCV002985463.3), dbSNP rs759496676, ClinGen allele CA5720656.